The following is an entry in ClinVar:

NM_001278716.2(FBXL4):c.1399T>A (p.Tyr467Asn)

Gene: FBXL4 (F-box and leucine rich repeat protein 4; minus strand). Cytogenetic location: 6q16.1.
Variant type: single nucleotide variant.
Coding change: c.1399T>A on transcript NM_001278716.2 (MANE Select); coding-DNA position 1399, T replaced by A.
Protein change: p.Tyr467Asn; replaces tyrosine 467 with asparagine.
Molecular consequence: missense variant. On other transcripts: non-coding transcript variant (1).
Genome position (GRCh38, 1-based): chr6:98,875,718, A>T on the plus strand (T>A on the coding strand, the complement: FBXL4 is on the minus strand). VCF-style: chr6-98875718-A-T. GRCh37 (hg19) VCF-style: chr6-99323594-A-T.
Other names: c.1399T>A, p.Tyr467Asn (NM_012160.5); short protein forms Y467N.
Identifiers: ClinVar variation 437753 (VCV000437753.1), dbSNP rs764944877, ClinGen allele CA3933445.

ClinVar aggregate classification (germline): Uncertain significance (1 of 4 stars; one submission).

Conditions:
Mitochondrial DNA depletion syndrome 13. Also called: FBXL4-Related Encephalomyopathic Mitochondrial DNA Depletion Syndrome; Mitochondrial DNA depletion syndrome 13 (encephalomyopathic type). Identifiers: Orphanet 369897, MedGen C3809592, MONDO:0014198, OMIM 615471.

Allele frequency attached by ClinVar (database versions not stated): gnomAD exomes below 0.00001; ExAC 0.00001.
gnomAD v4.1: 1 of 1,613,400 alleles (0.000062%); no homozygotes.

Submission:

Wong Mito Lab, Molecular and Human Genetics, Baylor College of Medicine
Classification: Uncertain significance for Mitochondrial DNA depletion syndrome 13. Last evaluated: 2017-08-10. Review status: criteria provided, single submitter. Criteria: ACMG Guidelines, 2015. Collection method: reference population. Allele origin: germline.
Comment: The NM_012160.4:c.1399T>A (NP_036292.2:p.Tyr467Asn) [GRCH38: NC_000006.12:g.98875718A>T] variant in FBXL4 gene is interpretated to be a Uncertain Significance - Insufficient Evidence based on ACMG guidelines (PMID: 25741868). This variant meets one or more of the following evidence codes reported in the ACMG-guideline. PM2:This variant is absent in key population databases. Based on this evidence code ClinGen Pathogenicity Calculator (PMID:28081714) suggested that the variant is Uncertain Significance - Insufficient Evidence.